The following is an entry in ClinVar:

ClinVar aggregate classification (germline): Uncertain significance (1 of 4 stars; one submission).

Conditions:
Trichorhinophalangeal syndrome, type III (TRPS3). Also called: SUGIO-KAJII SYNDROME. Identifiers: Orphanet 77258, MedGen C1860823, OMIM 190351, MONDO:0008597.
Trichorhinophalangeal dysplasia type I (TRPS1). Also called: TRPS I; TRICHORHINOPHALANGEAL SYNDROME, TYPE I. Identifiers: Orphanet 77258, MedGen C0432233, MONDO:0008596, OMIM 190350.

gnomAD v4.1: 1 of 1,614,204 alleles (0.000062%); highest among the groups gnomAD compares: Admixed American, 0.0017%; no homozygotes.

Submission:

Labcorp Genetics (formerly Invitae), Labcorp
Classification: Uncertain significance for Trichorhinophalangeal syndrome, type III; Trichorhinophalangeal dysplasia type I. Last evaluated: 2025-11-17. Review status: criteria provided, single submitter. Criteria: Invitae Variant Classification Sherloc (09022015). Collection method: clinical testing. Allele origin: germline.
Comment: This sequence change replaces aspartic acid, which is acidic and polar, with glycine, which is neutral and non-polar, at codon 205 of the TRPS1 protein (p.Asp205Gly). This variant is present in population databases (rs750822516, gnomAD 0.003%). This variant has not been reported in the literature in individuals affected with TRPS1-related conditions. Invitae Evidence Modeling of protein sequence and biophysical properties (such as structural, functional, and spatial information, amino acid conservation, physicochemical variation, residue mobility, and thermodynamic stability) indicates that this missense variant is not expected to disrupt TRPS1 protein function with a negative predictive value of 80%. In summary, the available evidence is currently insufficient to determine the role of this variant in disease. Therefore, it has been classified as a Variant of Uncertain Significance.

NM_014112.5(TRPS1):c.614A>G (p.Asp205Gly)

Gene: TRPS1 (transcriptional repressor GATA binding 1; minus strand). Cytogenetic location: 8q23.3.
Variant type: single nucleotide variant.
Coding change: c.614A>G on transcript NM_014112.5 (MANE Select); coding-DNA position 614, A replaced by G.
Protein change: p.Asp205Gly; replaces aspartic acid 205 with glycine.
Molecular consequence: missense variant.
Genome position (GRCh38, 1-based): chr8:115,619,484, T>C on the plus strand (A>G on the coding strand, the complement: TRPS1 is on the minus strand). VCF-style: chr8-115619484-T-C. GRCh37 (hg19) VCF-style: chr8-116631711-T-C.
Other names: c.587A>G, p.Asp196Gly (NM_001282902.3); c.593A>G, p.Asp198Gly (NM_001282903.3); c.575A>G, p.Asp192Gly (NM_001330599.2); short protein forms D192G, D196G, D198G, D205G.
Identifiers: ClinVar variation 4794978 (VCV004794978.1).